The following is an entry in ClinVar:

ClinVar aggregate classification (germline): Uncertain significance (1 of 4 stars; one submission).

Allele frequency attached by ClinVar (database versions not stated): gnomAD exomes 0.00001.
gnomAD v4.1: 3 of 1,614,070 alleles (0.00019%); highest among the groups gnomAD compares: Non-Finnish European, 0.00025%; no homozygotes.

Submission:

Labcorp Genetics (formerly Invitae), Labcorp
Classification: Uncertain significance. Last evaluated: 2025-06-24. Review status: criteria provided, single submitter. Criteria: Invitae Variant Classification Sherloc (09022015). Collection method: clinical testing. Allele origin: germline.
Comment: This sequence change replaces histidine, which is basic and polar, with tyrosine, which is neutral and polar, at codon 2372 of the KMT2A protein (p.His2372Tyr). This variant is not present in population databases (gnomAD no frequency). This variant has not been reported in the literature in individuals affected with KMT2A-related conditions. ClinVar contains an entry for this variant (Variation ID: 1371726). Invitae Evidence Modeling of protein sequence and biophysical properties (such as structural, functional, and spatial information, amino acid conservation, physicochemical variation, residue mobility, and thermodynamic stability) indicates that this missense variant is not expected to disrupt KMT2A protein function with a negative predictive value of 95%. In summary, the available evidence is currently insufficient to determine the role of this variant in disease. Therefore, it has been classified as a Variant of Uncertain Significance.

NM_001197104.2(KMT2A):c.7114C>T (p.His2372Tyr)

Gene: KMT2A (lysine methyltransferase 2A; plus strand). Cytogenetic location: 11q23.3.
Variant type: single nucleotide variant.
Coding change: c.7114C>T on transcript NM_001197104.2 (MANE Select); coding-DNA position 7114, C replaced by T.
Protein change: p.His2372Tyr; replaces histidine 2372 with tyrosine.
Molecular consequence: missense variant.
Genome position (GRCh38, 1-based): chr11:118,503,006, C>T. VCF-style: chr11-118503006-C-T. GRCh37 (hg19) VCF-style: chr11-118373721-C-T.
Other names: c.7105C>T, p.His2369Tyr (NM_005933.4); short protein forms H2369Y, H2372Y.
Identifiers: ClinVar variation 1371726 (VCV001371726.6), dbSNP rs1950525580, ClinGen allele CA382804354.
Genomic context (GRCh38, chr11:118,503,006, plus strand): 5'-GGCTCCTTTGCTGAACCCTCTTCAGTGTCGTTTTCTTCTAAAGAGGCCCTCTCCTTCCCA[C>T]ACCTCCATTTGAGAGGGCAAAGGAATGATCGAGACCAACACACAGATTCTACCCAATCAG-3'
Protein context (NP_001184033.1, residues 2362-2382): FSSKEALSFP[His2372Tyr]LHLRGQRNDR